The following is an entry in ClinVar:

ClinVar aggregate classification (germline): Uncertain significance. Review status: criteria provided, multiple submitters, no conflicts (2 of 4 stars). 2 submissions from 2 submitters: Uncertain significance (2). Last evaluated 2026-02-17.

Conditions:
Nephronophthisis. Also called: Juvenile Nephronophthisis. Identifiers: Orphanet 655, MedGen C0687120, MONDO:0019005, HP:0000090.
Meckel-Gruber syndrome. Also called: DYSENCEPHALIA SPLANCHNOCYSTICA; GRUBER SYNDROME; Dysencephalia splachnocystica. Identifiers: Orphanet 564, MedGen C0265215, MONDO:0018921.
Joubert syndrome. Also called: JOUBERT-BOLTSHAUSER SYNDROME; Familial aplasia of the vermis. Identifiers: Orphanet 475, MedGen C5979921, MONDO:0018772.
CEP290-related disorder. Also called: CEP290-related condition; CEP290-related disorders. Identifiers: MedGen CN239314.

gnomAD v4.1: 8 of 1,556,268 alleles (0.00051%); highest among the groups gnomAD compares: South Asian, 0.0025%; no homozygotes.

Submissions (2):

PreventionGenetics, part of Exact Sciences
Classification: Uncertain significance for CEP290-related condition. Last evaluated: 2026-02-17. Review status: criteria provided, single submitter. Criteria: ACMG Guidelines, 2015. Collection method: clinical testing. Allele origin: germline.
Comment: The CEP290 c.6876C>G variant is predicted to result in the amino acid substitution p.Ser2292Arg. To our knowledge, this variant has not been reported in the literature. This variant is reported in 0.0048% of alleles in individuals of South Asian descent in gnomAD. At this time, the clinical significance of this variant is uncertain due to the absence of conclusive functional and genetic evidence.

Labcorp Genetics (formerly Invitae), Labcorp
Classification: Uncertain significance for Joubert syndrome; Meckel-Gruber syndrome; Nephronophthisis. Last evaluated: 2022-07-12. Review status: criteria provided, single submitter. Criteria: Invitae Variant Classification Sherloc (09022015). Collection method: clinical testing. Allele origin: germline.
Comment: This sequence change replaces serine, which is neutral and polar, with arginine, which is basic and polar, at codon 2292 of the CEP290 protein (p.Ser2292Arg). This variant is present in population databases (rs538590274, gnomAD 0.005%). This variant has not been reported in the literature in individuals affected with CEP290-related conditions. ClinVar contains an entry for this variant (Variation ID: 1409080). Algorithms developed to predict the effect of missense changes on protein structure and function (SIFT, PolyPhen-2, Align-GVGD) all suggest that this variant is likely to be tolerated. In summary, the available evidence is currently insufficient to determine the role of this variant in disease. Therefore, it has been classified as a Variant of Uncertain Significance.

NM_025114.4(CEP290):c.6876C>G (p.Ser2292Arg)

Gene: CEP290 (centrosomal protein 290; minus strand). Cytogenetic location: 12q21.32.
Variant type: single nucleotide variant.
Coding change: c.6876C>G on transcript NM_025114.4 (MANE Select); coding-DNA position 6876, C replaced by G.
Protein change: p.Ser2292Arg; replaces serine 2292 with arginine.
Molecular consequence: missense variant.
Genome position (GRCh38, 1-based): chr12:88,055,660, G>C on the plus strand (C>G on the coding strand, the complement: CEP290 is on the minus strand). VCF-style: chr12-88055660-G-C. GRCh37 (hg19) VCF-style: chr12-88449437-G-C.
Other names: c.6876C>G (NM_025114.3); short protein forms S2292R.
Identifiers: ClinVar variation 1409080 (VCV001409080.6), dbSNP rs538590274, ClinGen allele CA6711409.
Genomic context (GRCh38, chr12:88,055,660, plus strand): 5'-TTTGTTAACTTTTTGTTCTCTCTCTGTTGCTTCTTTTACAAGCTGTTTAAGGTCAGTAAT[G>C]CTTTGATTTTTTTTGGCAATATCAGTTTCCAATTCTTTTAACTTGGTTTCATACATTCTA-3'
Protein context (NP_079390.3, residues 2282-2302): LETDIAKKNQ[Ser2292Arg]ITDLKQLVKE